The following is an entry in ClinVar:

NM_001384140.1(PCDH15):c.4368-1207C>T

Gene: PCDH15 (protocadherin related 15; minus strand). Cytogenetic location: 10q21.1.
Variant type: single nucleotide variant.
Coding change: c.4368-1207C>T on transcript NM_001384140.1 (MANE Select); 1207 bases into the intron before coding-DNA position 4368, C replaced by T.
Molecular consequence: intron variant. On other transcripts: 3 prime UTR variant (9).
Genome position (GRCh38, 1-based): chr10:53,821,437, G>A on the plus strand (C>T on the coding strand, the complement: PCDH15 is on the minus strand). VCF-style: chr10-53821437-G-A. GRCh37 (hg19) VCF-style: chr10-55581197-G-A.
Other names: c.*421C>T (NM_001142763.2, NM_001142764.2, NM_001142765.2 and 6 more transcripts); c.4367+5956C>T (NM_001354420.2); c.4368-3424C>T (NM_001354429.2); c.4373+3699C>T (NM_001142772.2, NM_001142770.3); c.4388+3699C>T (NM_001142771.2); c.4388+5956C>T (NM_001354411.2); c.4409+3699C>T (NM_001142769.3).
Identifiers: ClinVar variation 300156 (VCV000300156.5), dbSNP rs74134797, ClinGen allele CA10631816.
Genomic context (GRCh38, chr10:53,821,437, plus strand): 5'-GTATTTCTTCTTACCAAATACATAGGCTTCAAGAAAAAACAGAACCTATCAATCATATCA[G>A]TTTTAACTTATTTGTAACAGTCTGCTTTTTTCTTGGAACATTCATATAAAACTACGATCA-3'

ClinVar aggregate classification (germline): Benign (1 of 4 stars; one submission).

Conditions:
Usher syndrome type 1 (USH1). Also called: RETINITIS PIGMENTOSA AND CONGENITAL DEAFNESS. Identifiers: Orphanet 231169, Orphanet 886, MedGen C1568247, MONDO:0010168, OMIM 276900.

Allele frequency attached by ClinVar (database versions not stated): 1000 Genomes Project 0.01458; 1000 Genomes Project 30x 0.01562; gnomAD 0.01190 and 0.01267; TOPMed 0.01412; gnomAD exomes 0.00115.
gnomAD v4.1: 2,832 of 1,013,262 alleles (0.28%); highest among the groups gnomAD compares: African/African-American, 4.2%; 55 homozygotes.

Submission:

Illumina Laboratory Services, Illumina
Classification: Benign for Usher syndrome type 1. Last evaluated: 2018-01-13. Review status: criteria provided, single submitter. Criteria: ICSL Variant Classification Criteria 13 December 2019. Collection method: clinical testing. Allele origin: germline.
Comment: This variant was observed in the ICSL laboratory as part of a predisposition screen in an ostensibly healthy population. It had not been previously curated by ICSL or reported in the Human Gene Mutation Database (HGMD: prior to June 1st, 2018), and was therefore a candidate for classification through an automated scoring system. Utilizing variant allele frequency, disease prevalence and penetrance estimates, and inheritance mode, an automated score was calculated to assess if this variant is too frequent to cause the disease. Based on the score and internal cut-off values, a variant classified as benign is not then subjected to further curation. The score for this variant resulted in a classification of benign for this disease.